The following is an entry in ClinVar:

NM_002335.4(LRP5):c.803G>A (p.Gly268Glu)

Gene: LRP5 (LDL receptor related protein 5; plus strand). Cytogenetic location: 11q13.2.
Variant type: single nucleotide variant.
Coding change: c.803G>A on transcript NM_002335.4 (MANE Select); coding-DNA position 803, G replaced by A.
Protein change: p.Gly268Glu; replaces glycine 268 with glutamic acid.
Molecular consequence: missense variant. On other transcripts: 5 prime UTR variant (1).
Genome position (GRCh38, 1-based): chr11:68,363,863, G>A. VCF-style: chr11-68363863-G-A. GRCh37 (hg19) VCF-style: chr11-68131331-G-A.
Other names: c.-963G>A (NM_001291902.2); short protein forms G268E.
Identifiers: ClinVar variation 1057792 (VCV001057792.9), dbSNP rs779893871, ClinGen allele CA381611146.

ClinVar aggregate classification (germline): Uncertain significance (1 of 4 stars; one submission).

gnomAD v4.1: 2 of 1,613,146 alleles (0.00012%); highest among the groups gnomAD compares: Admixed American, 0.0017%; no homozygotes.

Submission:

Labcorp Genetics (formerly Invitae), Labcorp
Classification: Uncertain significance. Last evaluated: 2020-03-12. Review status: criteria provided, single submitter. Criteria: Invitae Variant Classification Sherloc (09022015). Collection method: clinical testing. Allele origin: germline.
Comment: In summary, the available evidence is currently insufficient to determine the role of this variant in disease. Therefore, it has been classified as a Variant of Uncertain Significance. Algorithms developed to predict the effect of missense changes on protein structure and function are either unavailable or do not agree on the potential impact of this missense change (SIFT: "Deleterious"; PolyPhen-2: "Probably Damaging"; Align-GVGD: "Class C0"). This variant has been observed in individual(s) with familial exudative vitreoretinopathy (PMID: 25711638). This variant is not present in population databases (ExAC no frequency). This sequence change replaces glycine with glutamic acid at codon 268 of the LRP5 protein (p.Gly268Glu). The glycine residue is highly conserved and there is a moderate physicochemical difference between glycine and glutamic acid.

Literature cited by the submitters: PubMed 25711638.